The following is an entry in ClinVar:

ClinVar aggregate classification (germline): Pathogenic (1 of 4 stars; one submission).

Conditions:
POLG-related disorder. Also called: POLG-Related Spectrum Disorders; POLG-related condition; POLG-Related Disorders. Identifiers: MedGen C4763519.

Submission:

Myriad Genetics, Inc.
Classification: Pathogenic for POLG-related disorder. Last evaluated: 2024-06-04. Review status: criteria provided, single submitter. Criteria: Myriad Autosomal Dominant, Autosomal Recessive and X-Linked Classification Criteria (2023). Collection method: clinical testing. Allele origin: unknown.
Comment: NM_002693.2(POLG):c.2032G>T(E678*) is expected to be pathogenic in the context of POLG-related disorders. This variant is predicted to lead to an abnormal or absent protein product due to the creation of a premature termination codon in POLG, a gene where loss-of-function variants are known to be pathogenic. Please note: this variant was assessed in the context of healthy population screening.

NM_002693.3(POLG):c.2032G>T (p.Glu678Ter)

Gene: POLG (DNA polymerase gamma, catalytic subunit; minus strand). Cytogenetic location: 15q26.1.
Variant type: single nucleotide variant.
Coding change: c.2032G>T on transcript NM_002693.3 (MANE Select); coding-DNA position 2032, G replaced by T.
Protein change: p.Glu678Ter; replaces glutamic acid 678 with a stop codon.
Molecular consequence: nonsense.
Genome position (GRCh38, 1-based): chr15:89,324,145, C>A on the plus strand (G>T on the coding strand, the complement: POLG is on the minus strand). VCF-style: chr15-89324145-C-A. GRCh37 (hg19) VCF-style: chr15-89867376-C-A.
Other names: c.2032G>T, p.Glu678Ter (NM_001126131.2); short protein forms E678*.
Identifiers: ClinVar variation 5013151 (VCV005013151.1).